The following is an entry in ClinVar:

ClinVar aggregate classification (germline): Benign/Likely benign. Review status: criteria provided, multiple submitters, no conflicts (2 of 4 stars). 4 submissions from 4 submitters: Benign (1); Likely benign (3). Last evaluated 2026-04-22.

Conditions:
Colorectal cancer, susceptibility to, 1. Also called: COLORECTAL ADENOMA AND CANCER, SUSCEPTIBILITY TO; COLORECTAL CANCER, SUSCEPTIBILITY TO, ON CHROMOSOME 9. Identifiers: MedGen C1837315, MONDO:0012132, OMIM 608812.

Allele frequency attached by ClinVar (database versions not stated): gnomAD 0.00001; TOPMed 0.00002.
gnomAD v4.1: 12 of 1,011,380 alleles (0.0012%); highest among the groups gnomAD compares: Admixed American, 0.0059%; no homozygotes.

Submissions (4):

Myriad Genetics, Inc.
Classification: Benign for Colorectal cancer, susceptibility to, 1. Last evaluated: 2026-04-22. Review status: criteria provided, single submitter. Criteria: Myriad Autosomal Dominant, Autosomal Recessive and X-Linked Classification Criteria (2023). Collection method: clinical testing. Allele origin: unknown.
Comment: This variant is considered benign. This variant is a silent/synonymous amino acid change and it is not expected to impact splicing.

Labcorp Genetics (formerly Invitae), Labcorp
Classification: Likely benign. Last evaluated: 2025-11-18. Review status: criteria provided, single submitter. Criteria: Invitae Variant Classification Sherloc (09022015). Collection method: clinical testing. Allele origin: germline.

Blueprint Genetics
Classification: Likely benign. Last evaluated: 2024-09-12. Review status: criteria provided, single submitter. Criteria: ACMG Guidelines, 2015. Collection method: clinical testing. Allele origin: germline.

Ambry Genetics
Classification: Likely benign. Last evaluated: 2019-04-13. Review status: criteria provided, single submitter. Criteria: Ambry Variant Classification Scheme 2023. Collection method: clinical testing. Allele origin: germline.

NM_024642.5(GALNT12):c.165C>T (p.Thr55=)

Gene: GALNT12 (polypeptide N-acetylgalactosaminyltransferase 12; plus strand). Cytogenetic location: 9q22.33.
Variant type: single nucleotide variant.
Coding change: c.165C>T on transcript NM_024642.5 (MANE Select); coding-DNA position 165, C replaced by T.
Protein change: p.Thr55=; no amino-acid change (threonine 55 retained).
Molecular consequence: synonymous variant.
Genome position (GRCh38, 1-based): chr9:98,807,863, C>T. VCF-style: chr9-98807863-C-T. GRCh37 (hg19) VCF-style: chr9-101570145-C-T.
Identifiers: ClinVar variation 819735 (VCV000819735.15), dbSNP rs937292083, ClinGen allele CA196833804.